The following is an entry in ClinVar:

ClinVar aggregate classification (germline): Uncertain significance (1 of 4 stars; one submission).

Allele frequency attached by ClinVar (database versions not stated): gnomAD exomes below 0.00001; TOPMed below 0.00001.

Submission:

Labcorp Genetics (formerly Invitae), Labcorp
Classification: Uncertain significance. Last evaluated: 2022-06-24. Review status: criteria provided, single submitter. Criteria: Invitae Variant Classification Sherloc (09022015). Collection method: clinical testing. Allele origin: germline.
Comment: This sequence change replaces methionine, which is neutral and non-polar, with threonine, which is neutral and polar, at codon 175 of the MTFMT protein (p.Met175Thr). This variant is not present in population databases (gnomAD no frequency). This variant has not been reported in the literature in individuals affected with MTFMT-related conditions. Algorithms developed to predict the effect of missense changes on protein structure and function are either unavailable or do not agree on the potential impact of this missense change (SIFT: "Deleterious"; PolyPhen-2: "Probably Damaging"; Align-GVGD: "Class C0"). In summary, the available evidence is currently insufficient to determine the role of this variant in disease. Therefore, it has been classified as a Variant of Uncertain Significance.

NM_139242.4(MTFMT):c.524T>C (p.Met175Thr)

Gene: MTFMT (mitochondrial methionyl-tRNA formyltransferase; minus strand). Cytogenetic location: 15q22.31.
Variant type: single nucleotide variant.
Coding change: c.524T>C on transcript NM_139242.4 (MANE Select); coding-DNA position 524, T replaced by C.
Protein change: p.Met175Thr; replaces methionine 175 with threonine.
Molecular consequence: missense variant.
Genome position (GRCh38, 1-based): chr15:65,023,690, A>G on the plus strand (T>C on the coding strand, the complement: MTFMT is on the minus strand). VCF-style: chr15-65023690-A-G. GRCh37 (hg19) VCF-style: chr15-65316028-A-G.
Other names: short protein forms M175T.
Identifiers: ClinVar variation 1942844 (VCV001942844.2), dbSNP rs1238734592, ClinGen allele CA392855723.